The following is an entry in ClinVar:

ClinVar aggregate classification (germline): Benign (1 of 4 stars; one submission).

Allele frequency attached by ClinVar (database versions not stated): 1000 Genomes Project 30x 0.00109; 1000 Genomes Project 0.00120; gnomAD 0.00145; TOPMed 0.00170.

Submission:

CeGaT Center for Human Genetics Tuebingen
Classification: Benign. Last evaluated: 2022-07-01. Review status: criteria provided, single submitter. Criteria: CeGaT Center For Human Genetics Tuebingen Variant Classification Criteria Version 2. Collection method: clinical testing. Allele origin: germline. Affected: yes. Observed: 2 variant alleles.
Comment: PAX6: BS1, BS2

NM_001368894.2(PAX6):c.11-753G>A

Gene: PAX6 (paired box 6; minus strand). Cytogenetic location: 11p13.
Variant type: single nucleotide variant.
Coding change: c.11-753G>A on transcript NM_001368894.2 (MANE Select); 753 bases into the intron before coding-DNA position 11, G replaced by A.
Molecular consequence: intron variant. On other transcripts: 5 prime UTR variant (8), missense variant (1).
Genome position (GRCh38, 1-based): chr11:31,803,587, C>T on the plus strand (G>A on the coding strand, the complement: PAX6 is on the minus strand). VCF-style: chr11-31803587-C-T. GRCh37 (hg19) VCF-style: chr11-31825135-C-T.
Other names: c.-1524G>A (NM_001310160.2); c.-588G>A (NM_001368899.2); c.-630G>A (NM_001368900.2); c.-1482G>A (NM_001368902.2); c.-1193G>A (NM_001368903.2, NM_001368929.2); c.-402G>A (NM_001368906.2); c.-1151G>A (NM_001368907.2); c.250G>A, p.Gly84Arg (NM_001368910.2); and 7 more; short protein forms G84R.
Identifiers: ClinVar variation 2641702 (VCV002641702.24), dbSNP rs140272449, ClinGen allele CA219469825.